The following is an entry in ClinVar:

NM_014727.3(KMT2B):c.3793C>T (p.Leu1265Phe)

Gene: KMT2B (lysine methyltransferase 2B; plus strand). Cytogenetic location: 19q13.12.
Variant type: single nucleotide variant.
Coding change: c.3793C>T on transcript NM_014727.3 (MANE Select); coding-DNA position 3793, C replaced by T.
Protein change: p.Leu1265Phe; replaces leucine 1265 with phenylalanine.
Molecular consequence: missense variant.
Genome position (GRCh38, 1-based): chr19:35,725,726, C>T. VCF-style: chr19-35725726-C-T. GRCh37 (hg19) VCF-style: chr19-36216627-C-T.
Other names: short protein forms L1265F.
Identifiers: ClinVar variation 4083080 (VCV004083080.1).
Genomic context (GRCh38, chr19:35,725,726, plus strand): 5'-AGGTGAGGGCATCCCTGTGCCAGCAGGTTTCGCCATCTCTGTCTCCACATCCAACAGCAC[C>T]TCCTGGAGTGCGAGCGCTGCCGCCATGCATACCACCCGGCCTGTCTGGGGCCCAGCTATC-3'
Protein context (NP_055542.1, residues 1255-1275): CGRKGRGSKH[Leu1265Phe]LECERCRHAY

ClinVar aggregate classification (germline): Uncertain significance (1 of 4 stars; one submission).

gnomAD v4.1: 7 of 1,611,166 alleles (0.00043%); highest among the groups gnomAD compares: Non-Finnish European, 0.00059%; no homozygotes.

Submission:

GeneDx
Classification: Uncertain significance. Last evaluated: 2025-03-12. Review status: criteria provided, single submitter. Criteria: GeneDx Variant Classification Process June 2021. Collection method: clinical testing. Allele origin: germline. Affected: yes.
Comment: Not observed at significant frequency in large population cohorts (gnomAD); In silico analysis supports that this missense variant has a deleterious effect on protein structure/function; Has not been previously published as pathogenic or benign to our knowledge